The following is an entry in ClinVar:

ClinVar aggregate classification (germline): Conflicting classifications of pathogenicity. Review status: criteria provided, conflicting classifications (1 of 4 stars). 6 submissions from 6 submitters: Pathogenic (1); Likely pathogenic (3); Uncertain significance (1). 1 of the submissions does not count toward it. Last evaluated 2024-03-11.

Conditions:
Mitochondrial DNA depletion syndrome 13. Also called: FBXL4-Related Encephalomyopathic Mitochondrial DNA Depletion Syndrome; Mitochondrial DNA depletion syndrome 13 (encephalomyopathic type). Identifiers: Orphanet 369897, MedGen C3809592, MONDO:0014198, OMIM 615471.

Allele frequency attached by ClinVar (database versions not stated): ExAC 0.00002; gnomAD exomes 0.00002; TOPMed 0.00002; gnomAD 0.00001.
gnomAD v4.1: 53 of 1,613,216 alleles (0.0033%); highest among the groups gnomAD compares: Non-Finnish European, 0.004%; no homozygotes.

Submissions (6):

Fulgent Genetics
Classification: Likely pathogenic for Mitochondrial DNA depletion syndrome 13. Last evaluated: 2024-03-11. Review status: criteria provided, single submitter. Criteria: ACMG Guidelines, 2015. Collection method: clinical testing. Allele origin: germline.

Women's Health and Genetics/Laboratory Corporation of America, LabCorp
Classification: Uncertain significance. Last evaluated: 2024-03-08. Review status: criteria provided, single submitter. Criteria: LabCorp Variant Classification Summary - May 2015. Collection method: clinical testing. Allele origin: germline.
Comment: Variant summary: FBXL4 c.1790A>C (p.Gln597Pro) results in a non-conservative amino acid change in the encoded protein sequence. Four of five in-silico tools predict a damaging effect of the variant on protein function. The variant allele was found at a frequency of 2e-05 in 250346 control chromosomes (gnomAD). c.1790A>C has been reported in the literature in individuals affected with Leigh Syndrome and Mitochondrial disorder (examples: Gai_2013, Morton_2016, Ballout_2019, Alves_2020). These data indicate that the variant may be associated with disease. To our knowledge, no experimental evidence demonstrating an impact on protein function has been reported. The following publications have been ascertained in the context of this evaluation (PMID: 32445240, 30804983, 23993194, 34052969, 27858371). ClinVar contains an entry for this variant (Variation ID: 437486). Based on the evidence outlined above, the variant was classified as VUS-possibly pathogenic.

GeneDx
Classification: Likely pathogenic. Last evaluated: 2018-05-23. Review status: criteria provided, single submitter. Criteria: GeneDx Variant Classification (06012015). Collection method: clinical testing. Allele origin: germline. Affected: yes.
Comment: The Q597P variant has been published in patients who also harbored another variant in the FBXL4 gene with symptoms that include early-onset lactic acidemia, hypotonia, encephalopathy, hyperammonemia, defects in the respiratory chain and mitochondrial DNA depletion (Gai et al. 2013; Morton et al. 2016). The Q597P variant is not observed at a significant frequency in large population cohorts (Lek et al., 2016). The Q597P variant is a non-conservative amino acid substitution, which is likely to impact secondary protein structure as these residues differ in polarity, charge, size and/or other properties. In summary, we interpret this variant as likely pathogenic; however, the possibility that it is benign cannot be excluded.

Baylor Genetics
Classification: Pathogenic for Mitochondrial DNA depletion syndrome 13. Last evaluated: 2017-09-01. Review status: criteria provided, single submitter. Criteria: ACMG Guidelines, 2015. Collection method: clinical testing. Allele origin: paternal. Inheritance: Autosomal recessive inheritance. Affected: yes.

Wong Mito Lab, Molecular and Human Genetics, Baylor College of Medicine
Classification: Likely pathogenic for Mitochondrial DNA depletion syndrome 13. Last evaluated: 2017-08-10. Review status: criteria provided, single submitter. Criteria: ACMG Guidelines, 2015. Collection method: clinical testing. Allele origin: germline. Affected: yes.
Comment: The NM_012160.4:c.1790A>C (NP_036292.2:p.Gln597Pro) [GRCH38: NC_000006.12:g.98874354T>G] variant in FBXL4 gene is interpretated to be a Likely Pathogenic based on ACMG guidelines (PMID: 25741868). This variant has been reported in PMID:23993194 . This variant meets one or more of the following evidence codes reported in the ACMG-guideline. PM2:This variant is absent in key population databases. PM3:Detected in trans with a pathogenic variant for Mitochondrial DNA depletion syndrome 13 which is a recessive disorder. PP1:This variant is co-segregated with Mitochondrial DNA depletion syndrome 13 in multiple affected family members. PP2:This is a missense variant in FBXL4 with a low rate of benign and high rate of pathogenic missense variations. PP3:Computational evidence/predictors indicate the variant has deleterious effect on FBXL4 structure, function, or protein-protein interaction. PP4:Patientâ€™s phenotype or family history is highly specific for FBXL4. PP5:Reputable source(s) suggest that the variant is pathogenic. Based on this evidence code ClinGen Pathogenicity Calculator (PMID:28081714) suggested that the variant is Likely Pathogenic.

Mayo Clinic Laboratories, Mayo Clinic
Classification: Uncertain significance. Last evaluated: 2016-03-08. Review status: no assertion criteria provided. Collection method: clinical testing. Allele origin: unknown. Not counted in ClinVar's aggregate classification.

Literature cited by the submitters: PubMed 32445240 (cited by Women's Health and Genetics/Laboratory Corporation of America, LabCorp); PubMed 34052969 (cited by Women's Health and Genetics/Laboratory Corporation of America, LabCorp); PubMed 23993194 (cited by 3 submitters); PubMed 30804983 (cited by Women's Health and Genetics/Laboratory Corporation of America, LabCorp); PubMed 27858371 (cited by Women's Health and Genetics/Laboratory Corporation of America, LabCorp); PubMed 25326635 (cited by Baylor Genetics).

NM_001278716.2(FBXL4):c.1790A>C (p.Gln597Pro)

Gene: FBXL4 (F-box and leucine rich repeat protein 4; minus strand). Cytogenetic location: 6q16.1.
Variant type: single nucleotide variant.
Coding change: c.1790A>C on transcript NM_001278716.2 (MANE Select); coding-DNA position 1790, A replaced by C.
Protein change: p.Gln597Pro; replaces glutamine 597 with proline.
Molecular consequence: missense variant. On other transcripts: non-coding transcript variant (1).
Genome position (GRCh38, 1-based): chr6:98,874,354, T>G on the plus strand (A>C on the coding strand, the complement: FBXL4 is on the minus strand). VCF-style: chr6-98874354-T-G. GRCh37 (hg19) VCF-style: chr6-99322230-T-G.
Other names: c.1790A>C, p.Gln597Pro (NM_012160.5); short protein forms Q597P.
Identifiers: ClinVar variation 437486 (VCV000437486.10), dbSNP rs201989042, ClinGen allele CA3933338.